The following is an entry in ClinVar:

NC_000007.13:g.73944168_74138459dup

Genes: GTF2I (general transcription factor IIi; plus strand), GTF2IRD1 (GTF2I repeat domain containing 1; plus strand). Cytogenetic location: 7q11.23.
Variant type: Duplication.
Identifiers: ClinVar variation 916130 (VCV000916130.1).

ClinVar aggregate classification (germline): Pathogenic (0 of 4 stars; one submission).

Conditions:
Cognitive impairment. Also called: cognitive deficit. Identifiers: MedGen C0338656, HP:0100543.

Submission:

Department of Translational Medicine, University of Naples Federico II
Classification: Pathogenic for Cognitive impairment. Review status: no assertion criteria provided. Collection method: clinical testing. Allele origin: germline. Inheritance: Autosomal dominant inheritance. Affected: yes.
Comment: The duplication involves the genes GTF2I and GTF2IRD1 and maps on the 7q11.23 duplication syndrome critical region.

Literature cited by the submitters: PubMed 32349160.